The following is an entry in ClinVar:

ClinVar aggregate classification (germline): Pathogenic (1 of 4 stars; one submission).

Submission:

Labcorp Genetics (formerly Invitae), Labcorp
Classification: Pathogenic. Last evaluated: 2023-12-30. Review status: criteria provided, single submitter. Criteria: Invitae Variant Classification Sherloc (09022015). Collection method: clinical testing. Allele origin: germline.
Comment: This sequence change creates a premature translational stop signal (p.Cys219Valfs*4) in the CUL7 gene. It is expected to result in an absent or disrupted protein product. Loss-of-function variants in CUL7 are known to be pathogenic (PMID: 16142236, 17675530, 19225462). This variant is not present in population databases (gnomAD no frequency). This variant has not been reported in the literature in individuals affected with CUL7-related conditions. Algorithms developed to predict the effect of sequence changes on RNA splicing suggest that this variant may disrupt the consensus splice site. For these reasons, this variant has been classified as Pathogenic.

Literature cited by the submitters: PubMed 16142236; PubMed 17675530; PubMed 19225462.

NM_014780.5(CUL7):c.655del (p.Cys219fs)

Gene: CUL7 (cullin 7; minus strand). Cytogenetic location: 6p21.1.
Variant type: Deletion.
Coding change: c.655del on transcript NM_014780.5 (MANE Select); coding-DNA position 655, one base deleted (T; older notation c.655delT).
Protein change: p.Cys219fs; shifts the reading frame from cysteine 219.
Molecular consequence: frameshift variant.
Genome position (GRCh38, 1-based): chr6:43,051,689, A deleted on the plus strand (T on the coding strand, the reverse complement: CUL7 is on the minus strand). VCF-style (leftmost placement, unchanged base first): chr6-43051688-CA-C. GRCh37 (hg19) VCF-style: chr6-43019426-CA-C.
Other names: c.751del, p.Cys251fs (NM_001168370.2, NM_001374872.1); c.655del, p.Cys219fs (NM_001374873.1, NM_001374874.1); short protein forms C219fs, C251fs.
Identifiers: ClinVar variation 2701660 (VCV002701660.3), dbSNP rs2532734964, ClinGen allele CA2697551980.